The following is an entry in ClinVar:

NM_002788.4(PSMA3):c.510G>A (p.Arg170=)

Gene: PSMA3 (proteasome 20S subunit alpha 3; plus strand). Cytogenetic location: 14q23.1.
Variant type: single nucleotide variant.
Coding change: c.510G>A on transcript NM_002788.4 (MANE Select); coding-DNA position 510, G replaced by A.
Protein change: p.Arg170=; no amino-acid change (arginine 170 retained).
Molecular consequence: synonymous variant. On other transcripts: non-coding transcript variant (1).
Genome position (GRCh38, 1-based): chr14:58,263,737, G>A. VCF-style: chr14-58263737-G-A. GRCh37 (hg19) VCF-style: chr14-58730455-G-A.
Other names: p.Arg170=; c.489G>A, p.Arg163= (NM_152132.3).
Identifiers: ClinVar variation 1284903 (VCV001284903.33), dbSNP rs17852654, ClinGen allele CA7203813.

ClinVar aggregate classification (germline): Likely benign. Review status: criteria provided, multiple submitters, no conflicts (2 of 4 stars). 6 submissions from 6 submitters: Likely benign (4). 2 of the submissions do not count toward it. Last evaluated 2026-05-01.

Allele frequency attached by ClinVar (database versions not stated): 1000 Genomes Project 30x 0.00031; 1000 Genomes Project 0.00040; gnomAD exomes 0.00053 and 0.00090; ESP Exome Variant Server 0.00062; ExAC 0.00068; gnomAD 0.00070 and 0.00073; TOPMed 0.00097.
gnomAD v4.1: 1,391 of 1,613,852 alleles (0.086%); highest among the groups gnomAD compares: Non-Finnish European, 0.11%; no homozygotes.

Submissions (6):

CeGaT Center for Human Genetics Tuebingen
Classification: Likely benign. Last evaluated: 2026-05-01. Review status: criteria provided, single submitter. Criteria: CeGaT Center For Human Genetics Tuebingen Variant Classification Criteria Version 2. Collection method: clinical testing. Allele origin: germline. Affected: yes. Observed: 2 variant alleles.
Comment: PSMA3: BP4, BP7

Labcorp Genetics (formerly Invitae), Labcorp
Classification: Likely benign. Last evaluated: 2026-01-20. Review status: criteria provided, single submitter. Criteria: Invitae Variant Classification Sherloc (09022015). Collection method: clinical testing. Allele origin: germline.

Mayo Clinic Laboratories, Mayo Clinic
Classification: Likely benign. Last evaluated: 2025-02-24. Review status: criteria provided, single submitter. Criteria: ACMG Guidelines, 2015. Collection method: clinical testing. Allele origin: germline. Observed: 1 variant allele.
Comment: BP4, BP7

Breakthrough Genomics
Classification: Likely benign. Review status: criteria provided, single submitter. Criteria: ACMG Guidelines, 2015. Collection method: not provided. Allele origin: germline. Inheritance: Unknown mechanism. Affected: yes.

Clinical Genetics DNA and cytogenetics Diagnostics Lab, Erasmus MC, Erasmus Medical Center
Classification: Likely benign. Review status: no assertion criteria provided. Collection method: clinical testing. Allele origin: germline. Affected: yes. Study: VKGL Data-share Consensus. Not counted in ClinVar's aggregate classification.

Genome Diagnostics Laboratory, University Medical Center Utrecht
Classification: Likely benign. Review status: no assertion criteria provided. Collection method: clinical testing. Allele origin: germline. Affected: yes. Study: VKGL Data-share Consensus. Not counted in ClinVar's aggregate classification.